The following is an entry in ClinVar:

NM_001735.3(C5):c.4697C>T (p.Thr1566Ile)

Gene: C5 (complement C5; minus strand). Cytogenetic location: 9q33.2.
Variant type: single nucleotide variant.
Coding change: c.4697C>T on transcript NM_001735.3 (MANE Select); coding-DNA position 4697, C replaced by T.
Protein change: p.Thr1566Ile; replaces threonine 1566 with isoleucine.
Molecular consequence: missense variant.
Genome position (GRCh38, 1-based): chr9:120,957,350, G>A on the plus strand (C>T on the coding strand, the complement: C5 is on the minus strand). VCF-style: chr9-120957350-G-A. GRCh37 (hg19) VCF-style: chr9-123719628-G-A.
Other names: c.4715C>T, p.Thr1572Ile (NM_001317163.2); short protein forms T1566I, T1572I.
Identifiers: ClinVar variation 1510477 (VCV001510477.5), dbSNP rs2131663042, ClinGen allele CA374741686.

ClinVar aggregate classification (germline): Uncertain significance (1 of 4 stars; one submission).

Allele frequency attached by ClinVar (database versions not stated): gnomAD exomes below 0.00001.
gnomAD v4.1: 2 of 1,612,610 alleles (0.00012%); highest among the groups gnomAD compares: Admixed American, 0.0033%; no homozygotes.

Submission:

Labcorp Genetics (formerly Invitae), Labcorp
Classification: Uncertain significance. Last evaluated: 2022-03-02. Review status: criteria provided, single submitter. Criteria: Invitae Variant Classification Sherloc (09022015). Collection method: clinical testing. Allele origin: germline.
Comment: This sequence change replaces threonine, which is neutral and polar, with isoleucine, which is neutral and non-polar, at codon 1566 of the C5 protein (p.Thr1566Ile). This variant is not present in population databases (gnomAD no frequency). This variant has not been reported in the literature in individuals affected with C5-related conditions. Algorithms developed to predict the effect of missense changes on protein structure and function output the following: SIFT: "Tolerated"; PolyPhen-2: "Benign"; Align-GVGD: "Class C0". The isoleucine amino acid residue is found in multiple mammalian species, which suggests that this missense change does not adversely affect protein function. In summary, the available evidence is currently insufficient to determine the role of this variant in disease. Therefore, it has been classified as a Variant of Uncertain Significance.